The following is an entry in ClinVar:

ClinVar aggregate classification (germline): Uncertain significance (1 of 4 stars; one submission).

Conditions:
Hereditary cancer-predisposing syndrome. Also called: Hereditary Cancer Syndrome; Hereditary neoplastic syndrome; Neoplastic Syndromes, Hereditary; Tumor predisposition. Identifiers: Orphanet 140162, MedGen C0027672, MeSH D009386, MONDO:0015356.

Submission:

Ambry Genetics
Classification: Uncertain significance for Hereditary cancer-predisposing syndrome. Last evaluated: 2025-04-02. Review status: criteria provided, single submitter. Criteria: Ambry Variant Classification Scheme 2023. Collection method: clinical testing. Allele origin: germline.
Comment: The p.S221N variant (also known as c.662G>A), located in coding exon 7 of the MRE11A gene, results from a G to A substitution at nucleotide position 662. The serine at codon 221 is replaced by asparagine, an amino acid with highly similar properties. This amino acid position is conserved. In addition, the in silico prediction for this alteration is inconclusive. Based on the available evidence, the clinical significance of this variant remains unclear.

NM_005591.4(MRE11):c.662G>A (p.Ser221Asn)

Gene: MRE11 (MRE11 double strand break repair nuclease; minus strand). Cytogenetic location: 11q21.
Variant type: single nucleotide variant.
Coding change: c.662G>A on transcript NM_005591.4 (MANE Select); coding-DNA position 662, G replaced by A.
Protein change: p.Ser221Asn; replaces serine 221 with asparagine.
Molecular consequence: missense variant.
Genome position (GRCh38, 1-based): chr11:94,471,757, C>T on the plus strand (G>A on the coding strand, the complement: MRE11 is on the minus strand). VCF-style: chr11-94471757-C-T. GRCh37 (hg19) VCF-style: chr11-94204923-C-T.
Other names: c.662G>A, p.Ser221Asn (NM_001330347.2, NM_005590.4); short protein forms S221N.
Identifiers: ClinVar variation 3912867 (VCV003912867.1).